The following is an entry in ClinVar:

NM_032492.4(JAGN1):c.334A>G (p.Ile112Val)

Gene: JAGN1 (jagunal vesicle mediated transporter 1; plus strand). Cytogenetic location: 3p25.3.
Variant type: single nucleotide variant.
Coding change: c.334A>G on transcript NM_032492.4 (MANE Select); coding-DNA position 334, A replaced by G.
Protein change: p.Ile112Val; replaces isoleucine 112 with valine.
Molecular consequence: missense variant.
Genome position (GRCh38, 1-based): chr3:9,893,159, A>G. VCF-style: chr3-9893159-A-G. GRCh37 (hg19) VCF-style: chr3-9934843-A-G.
Other names: c.172A>G, p.Ile58Val (NM_001363890.1); c.334A>G (NM_032492.3); short protein forms I58V, I112V.
Identifiers: ClinVar variation 1409634 (VCV001409634.7), dbSNP rs762026143, ClinGen allele CA2245872.
Genomic context (GRCh38, chr3:9,893,159, plus strand): 5'-TTTCCCCGCAACAACATTAGCTACCTGGTGCTCTCCATGATCAGCATGGGACTCTTTTCC[A>G]TCGCTCCACTCATTTATGGCAGCATGGAGATGTTCCCTGCTGCACAGCAGCTCTACCGCC-3'
Protein context (NP_115881.3, residues 102-122): LSMISMGLFS[Ile112Val]APLIYGSMEM

ClinVar aggregate classification (germline): Uncertain significance. Review status: criteria provided, multiple submitters, no conflicts (2 of 4 stars). 3 submissions from 3 submitters: Uncertain significance (3). Last evaluated 2026-04-06.

Conditions:
JAGN1-related disorder. Also called: JAGN1-related condition.
Autosomal recessive severe congenital neutropenia due to JAGN1 deficiency. Also called: Severe congenital neutropenia 6, autosomal recessive. Identifiers: Orphanet 423384, MedGen C4014954, MONDO:0014456, OMIM 616022.

Allele frequency attached by ClinVar (database versions not stated): gnomAD exomes 0.00002 and 0.00001; gnomAD 0.00001; ExAC 0.00002.
gnomAD v4.1: 32 of 1,614,018 alleles (0.002%); highest among the groups gnomAD compares: Non-Finnish European, 0.0025%; no homozygotes.

Submissions (3):

PreventionGenetics, part of Exact Sciences
Classification: Uncertain significance for JAGN1-related condition. Last evaluated: 2026-04-06. Review status: criteria provided, single submitter. Criteria: ACMG Guidelines, 2015. Collection method: clinical testing. Allele origin: germline.
Comment: The JAGN1 c.334A>G variant is predicted to result in the amino acid substitution p.Ile112Val. To our knowledge, this variant has not been reported in the literature. This variant is reported in 0.0029% of alleles in individuals of Latino descent in gnomAD. At this time, the clinical significance of this variant is uncertain due to the absence of conclusive functional and genetic evidence.

Labcorp Genetics (formerly Invitae), Labcorp
Classification: Uncertain significance for Autosomal recessive severe congenital neutropenia due to JAGN1 deficiency. Last evaluated: 2025-06-29. Review status: criteria provided, single submitter. Criteria: Invitae Variant Classification Sherloc (09022015). Collection method: clinical testing. Allele origin: germline.
Comment: This sequence change replaces isoleucine, which is neutral and non-polar, with valine, which is neutral and non-polar, at codon 112 of the JAGN1 protein (p.Ile112Val). This variant is present in population databases (rs762026143, gnomAD 0.003%). This variant has not been reported in the literature in individuals affected with JAGN1-related conditions. ClinVar contains an entry for this variant (Variation ID: 1409634). An algorithm developed to predict the effect of missense changes on protein structure and function (PolyPhen-2) suggests that this variant is likely to be tolerated. In summary, the available evidence is currently insufficient to determine the role of this variant in disease. Therefore, it has been classified as a Variant of Uncertain Significance.

Blueprint Genetics
Classification: Uncertain significance. Last evaluated: 2021-03-09. Review status: criteria provided, single submitter. Criteria: ACMG Guidelines, 2015. Collection method: clinical testing. Allele origin: germline.